The following is an entry in ClinVar:

NM_001080466.2(BTBD17):c.732C>G (p.Pro244=)

Gene: BTBD17 (BTB domain containing 17; minus strand). Cytogenetic location: 17q25.1.
Variant type: single nucleotide variant.
Coding change: c.732C>G on transcript NM_001080466.2 (MANE Select); coding-DNA position 732, C replaced by G.
Protein change: p.Pro244=; no amino-acid change (proline 244 retained).
Molecular consequence: synonymous variant.
Genome position (GRCh38, 1-based): chr17:74,357,362, G>C on the plus strand (C>G on the coding strand, the complement: BTBD17 is on the minus strand). VCF-style: chr17-74357362-G-C. GRCh37 (hg19) VCF-style: chr17-72353501-G-C.
Identifiers: ClinVar variation 4873347 (VCV004873347.2).

ClinVar aggregate classification (germline): Likely benign (1 of 4 stars; one submission).

gnomAD v4.1: 1 of 1,551,052 alleles (0.000064%); highest among the groups gnomAD compares: East Asian, 0.0024%; no homozygotes.

Submission:

CeGaT Center for Human Genetics Tuebingen
Classification: Likely benign. Last evaluated: 2026-08-01. Review status: criteria provided, single submitter. Criteria: CeGaT Center For Human Genetics Tuebingen Variant Classification Criteria Version 2. Collection method: clinical testing. Allele origin: germline. Affected: yes. Observed: 3 variant alleles.
Comment: BTBD17: BP4, BP7